The following is an entry in ClinVar:

ClinVar aggregate classification (germline): Conflicting classifications of pathogenicity. Review status: criteria provided, conflicting classifications (1 of 4 stars). 11 submissions from 11 submitters: Pathogenic (3); Likely pathogenic (1); Uncertain significance (6). 1 of the submissions does not count toward it. Last evaluated 2026-09-04.

Conditions:
BODY MASS INDEX QUANTITATIVE TRAIT LOCUS 20 (BMIQ20). Also called: MELANOCORTIN 4 RECEPTOR DEFICIENCY; MC4R DEFICIENCY. Identifiers: MedGen C4759928, OMIM 618406.
Obesity. Also called: Obesity disorder. Identifiers: Orphanet 71529, MedGen C0028754, MeSH D009765, MONDO:0011122, HP:0001513.

Allele frequency attached by ClinVar (database versions not stated): 1000 Genomes Project 0.00020; gnomAD exomes 0.00049 and 0.00103; ExAC 0.00081; gnomAD 0.00011; 1000 Genomes Project 30x 0.00031; TOPMed 0.00045.
gnomAD v4.1: 310 of 1,614,220 alleles (0.019%); highest among the groups gnomAD compares: Admixed American, 0.51%; 4 homozygotes.

Submissions (11):

GeneDx
Classification: Uncertain significance. Last evaluated: 2026-09-04. Review status: criteria provided, single submitter. Criteria: GeneDx Variant Classification Process June 2021. Collection method: clinical testing. Allele origin: germline.
Comment: Identified in multiple individuals with obesity but it is unknown whether these individuals were screened for variants in other genes associated with obesity in all cases (PMID: 18801902, 30811542, 35562395, 31841602, 42424029, 39738493); Reported as a founder variant for obesity among individuals of Mexican background (PMID: 31841602); Published functional studies demonstrate a damaging effect (PMID: 31002796); Identified as a potential risk variant for testicular germ cell tumors (PMID: 42017013); In silico analysis supports that this missense variant has a deleterious effect on protein structure/function; This variant is associated with the following publications: (PMID: 19091795, 22106157, 31002796, 25332687, 33045043, 31841602, 31118516, 33542413, 30811542, 35460704, 35562395, 18801902, 39096151, 17628007, 12851297, 41489233, 39738493, 42017013, 42205046, 42424029)

Labcorp Genetics (formerly Invitae), Labcorp
Classification: Uncertain significance. Last evaluated: 2026-02-01. Review status: criteria provided, single submitter. Criteria: Invitae Variant Classification Sherloc (09022015). Collection method: clinical testing. Allele origin: germline.
Comment: This sequence change replaces isoleucine, which is neutral and non-polar, with asparagine, which is neutral and polar, at codon 269 of the MC4R protein (p.Ile269Asn). This variant is present in population databases (rs79783591, gnomAD 0.7%), including at least one homozygous and/or hemizygous individual. This missense change has been observed in individual(s) with obesity (PMID: 19091795, 19889825, 30811542, 31841602, 35562395). It has also been observed to segregate with disease in related individuals. ClinVar contains an entry for this variant (Variation ID: 36486). Invitae Evidence Modeling of protein sequence and biophysical properties (such as structural, functional, and spatial information, amino acid conservation, physicochemical variation, residue mobility, and thermodynamic stability) indicates that this missense variant is not expected to disrupt MC4R protein function with a negative predictive value of 80%. Experimental studies have shown that this missense change affects MC4R function (PMID: 22106157, 24276017, 25332687, 31002796). In summary, the available evidence is currently insufficient to determine the role of this variant in disease. Therefore, it has been classified as a Variant of Uncertain Significance.

3billion
Classification: Likely pathogenic for BODY MASS INDEX QUANTITATIVE TRAIT LOCUS 20. Last evaluated: 2025-04-01. Review status: criteria provided, single submitter. Criteria: ACMG Guidelines, 2015. Collection method: clinical testing. Allele origin: germline. Affected: yes.

Baylor Genetics
Classification: Pathogenic for BODY MASS INDEX QUANTITATIVE TRAIT LOCUS 20. Last evaluated: 2024-03-14. Review status: criteria provided, single submitter. Criteria: ACMG Guidelines, 2015. Collection method: clinical testing. Allele origin: unknown.

New York Genome Center
Classification: Uncertain significance for BODY MASS INDEX QUANTITATIVE TRAIT LOCUS 20. Last evaluated: 2022-04-22. Review status: criteria provided, single submitter. Criteria: NYGC Assertion Criteria 2020. Collection method: clinical testing. Allele origin: germline. Observed: 1 heterozygote.

Athena Diagnostics
Classification: Pathogenic. Last evaluated: 2020-10-07. Review status: criteria provided, single submitter. Criteria: Athena Diagnostics criteria. Collection method: clinical testing. Allele origin: unknown.
Comment: Although the frequency of this variant in the general population is higher than would generally be expected for pathogenic variants in this gene, this variant was shown to associate with obesity in Mexican children and adults (PMID:31841602). Assessment of experimental evidence suggests this variant results in abnormal protein function. Experiments showed reduced cell surface expression and ligand binding, as well as loss of signal transduction (PMID:18801902,24276017,31002796). Computational tools predict that this variant is damaging.

Broad Center for Mendelian Genomics, Broad Institute of MIT and Harvard
Classification: Uncertain significance for Obesity. Last evaluated: 2020-01-22. Review status: criteria provided, single submitter. Criteria: ACMG Guidelines, 2015. Collection method: curation. Allele origin: germline. Inheritance: Autosomal dominant inheritance.
Comment: The p.Ile269Asn variant in MC4R has been reported in 4 individuals with Obesity (PMID: 18801902, 19091795), and has been identified in 0.7309% (259/35438) of Latino chromosomes, including 5 homozygotes, by the Genome Aggregation Database (gnomAD; dbSNP rs79783591). Although this variant has been seen in the general population, its frequency is not high enough to rule out a pathogenic role. Please note that for diseases with clinical variability, or reduced penetrance, pathogenic variants may be present at a low frequency in the general population. This variant has also been reported as a VUS, likely pathogenic variant, and a pathogenic variant in ClinVar (Variation ID: 36486). In vitro functional studies provide some evidence that the p.Ile269Asn variant may impact cell surface expression, protein folding, and receptor activation (PMID: 18801902, 19091795). However, these types of assays may not accurately represent biological function. Computational prediction tools and conservation analyses do not provide strong support for or against an impact to the protein. In summary, while there is some suspicion for a pathogenic role, the clinical significance of this variant is uncertain. ACMG/AMP Criteria applied: PS3, PS4_Supporting (Richards 2015).

Women's Health and Genetics/Laboratory Corporation of America, LabCorp
Classification: Uncertain significance. Last evaluated: 2019-01-25. Review status: criteria provided, single submitter. Criteria: LabCorp Variant Classification Summary - May 2015. Collection method: clinical testing. Allele origin: germline.
Comment: Variant summary: MC4R c.806T>A (p.Ile269Asn) results in a non-conservative amino acid change located in the GPCR, rhodopsin-like, 7TM domain of the encoded protein sequence. Four of five in-silico tools predict a damaging effect of the variant on protein function. The variant allele was found at a frequency of 0.00092 in 277298 control chromosomes, predominantly at a frequency of 0.0073 within the Latino subpopulation in the gnomAD database, including 5 homozygotes. The observed variant frequency within Latino control individuals in the gnomAD database is approximately 15 fold of the estimated maximal expected allele frequency for a pathogenic variant in MC4R causing Early Onset Obesity phenotype (0.0005), suggesting that the variant is a benign polymorphism found primarily in populations of Latino origin. However, c.806T>A has been reported in the literature in multiple individuals affected with Early Onset Obesity (Hohenadel_2014, Tan_2009). Furthermore, at-least two of these reports identified this variant in individuals of Hispanic/Latina ancestry who are enriched for this variant among the control cohorts. These reports do not provide unequivocal conclusions about association of the variant with Early Onset Obesity. Experimental evidence evaluating an impact on protein function demonstrated the variant to have a significantly different EC50 (the concentration of ligand needed to achieve 50% of maximum effect) than that of the wild type (WT) receptor (Thearle_2012, Calton_2009), reduced expression at the cell surface and decreased receptor binding (Hohenadel_2014, Tan_2009) while, it also exhibited defective ligand-stimulated response compared to WT and was determined to have biased signaling in the ERK1/2 pathway (He_2014). Studies were contradictory in terms of cyclic AMP response after agonist administration either detecting loss of function or no significant difference in function compared to WT (Hohenadel_2014, Tan_2009). A ClinVar submission from a clinical diagnostic laboratory (evaluation after 2014) cites the variant as uncertain significance. Based on the evidence outlined above, the possibility that this is likely to represent a benign variation cannot be excluded. Due to equivocal reports of functional relevance the variant was classified as uncertain significance.

Genomic Medicine Lab, University of California San Francisco
Classification: Pathogenic for BODY MASS INDEX QUANTITATIVE TRAIT LOCUS 20. Last evaluated: 2017-08-25. Review status: criteria provided, single submitter. Criteria: ACMG Guidelines, 2015. Collection method: clinical testing. Allele origin: germline. Study: CSER.

Genetic Services Laboratory, University of Chicago
Classification: Uncertain significance. Last evaluated: 2017-03-14. Review status: criteria provided, single submitter. Criteria: ACMG Guidelines, 2015. Collection method: clinical testing. Allele origin: germline. Affected: no.

Clinical Molecular Genetics Laboratory, Johns Hopkins All Children's Hospital
Classification: Pathogenic for Obesity. Last evaluated: 2014-05-23. Review status: no assertion criteria provided. Collection method: clinical testing. Allele origin: germline. Affected: yes. Not counted in ClinVar's aggregate classification.

Literature cited by the submitters: PubMed 19091795 (cited by 4 submitters); PubMed 19889825 (cited by Labcorp Genetics (formerly Invitae), Labcorp and Athena Diagnostics); PubMed 30811542 (cited by Labcorp Genetics (formerly Invitae), Labcorp and Athena Diagnostics); PubMed 31841602 (cited by Labcorp Genetics (formerly Invitae), Labcorp and Athena Diagnostics); PubMed 35562395 (cited by Labcorp Genetics (formerly Invitae), Labcorp); PubMed 22106157 (cited by 3 submitters); PubMed 24276017 (cited by 3 submitters); PubMed 25332687 (cited by 3 submitters); PubMed 31002796 (cited by Labcorp Genetics (formerly Invitae), Labcorp and Athena Diagnostics); PubMed 18801902 (cited by 4 submitters); PubMed 31118516 (cited by Athena Diagnostics); PubMed 14633862 (cited by Athena Diagnostics); PubMed 32534219 (cited by Athena Diagnostics); PubMed 32952152 (cited by Athena Diagnostics); PubMed 16960181 (cited by Women's Health and Genetics/Laboratory Corporation of America, LabCorp).

NM_005912.3(MC4R):c.806T>A (p.Ile269Asn)

Gene: MC4R (melanocortin 4 receptor; minus strand). Cytogenetic location: 18q21.32.
Variant type: single nucleotide variant.
Coding change: c.806T>A on transcript NM_005912.3 (MANE Select); coding-DNA position 806, T replaced by A.
Protein change: p.Ile269Asn; replaces isoleucine 269 with asparagine.
Molecular consequence: missense variant.
Genome position (GRCh38, 1-based): chr18:60,371,544, A>T on the plus strand (T>A on the coding strand, the complement: MC4R is on the minus strand). VCF-style: chr18-60371544-A-T. GRCh37 (hg19) VCF-style: chr18-58038777-A-T.
Other names: short protein forms I269N.
Identifiers: ClinVar variation 36486 (VCV000036486.27), dbSNP rs79783591, ClinGen allele CA214146.